The following is an entry in ClinVar:

ClinVar aggregate classification (germline): Uncertain significance (1 of 4 stars; one submission).

Allele frequency attached by ClinVar (database versions not stated): TOPMed below 0.00001; gnomAD 0.00001.
gnomAD v4.1: 1 of 1,612,870 alleles (0.000062%); highest among the groups gnomAD compares: Admixed American, 0.0017%; no homozygotes.

Submission:

Ambry Genetics
Classification: Uncertain significance. Last evaluated: 2024-06-30. Review status: criteria provided, single submitter. Criteria: Ambry Variant Classification Scheme 2023. Collection method: clinical testing. Allele origin: germline.
Comment: The p.S2270P variant (also known as c.6808T>C), located in coding exon 23 of the POLQ gene, results from a T to C substitution at nucleotide position 6808. The serine at codon 2270 is replaced by proline, an amino acid with similar properties. This amino acid position is conserved. In addition, this alteration is predicted to be tolerated by in silico analysis. Since supporting evidence is limited at this time, the clinical significance of this alteration remains unclear.

NM_199420.4(POLQ):c.6808T>C (p.Ser2270Pro)

Gene: POLQ (DNA polymerase theta; minus strand). Cytogenetic location: 3q13.33.
Variant type: single nucleotide variant.
Coding change: c.6808T>C on transcript NM_199420.4 (MANE Select); coding-DNA position 6808, T replaced by C.
Protein change: p.Ser2270Pro; replaces serine 2270 with proline.
Molecular consequence: missense variant.
Genome position (GRCh38, 1-based): chr3:121,468,342, A>G on the plus strand (T>C on the coding strand, the complement: POLQ is on the minus strand). VCF-style: chr3-121468342-A-G. GRCh37 (hg19) VCF-style: chr3-121187189-A-G.
Other names: short protein forms S2270P.
Identifiers: ClinVar variation 1755555 (VCV001755555.3), dbSNP rs2047855271, ClinGen allele CA354111349.
Genomic context (GRCh38, chr3:121,468,342, plus strand): 5'-AGATACAGAGAAACAGCACCTACCTGCCCATGGGAAGTAGGCCTTTGCCTACAGCTTGAG[A>G]AGGTGGGCTTTCTCCTACTAGTGTTGGCATTTTGATTTCAAAATCTCTTGGCACATTCTG-3'
Protein context (NP_955452.3, residues 2260-2280): MPTLVGESPP[Ser2270Pro]QAVGKGLLPM